The following is an entry in ClinVar:

NM_014225.6(PPP2R1A):c.55G>T (p.Glu19Ter)

Gene: PPP2R1A (protein phosphatase 2 scaffold subunit Aalpha; plus strand). Cytogenetic location: 19q13.41.
Variant type: single nucleotide variant.
Coding change: c.55G>T on transcript NM_014225.6 (MANE Select); coding-DNA position 55, G replaced by T.
Protein change: p.Glu19Ter; replaces glutamic acid 19 with a stop codon.
Molecular consequence: nonsense. On other transcripts: non-coding transcript variant (1).
Genome position (GRCh38, 1-based): chr19:52,190,151, G>T. VCF-style: chr19-52190151-G-T. GRCh37 (hg19) VCF-style: chr19-52693404-G-T.
Other names: short protein forms E19*.
Identifiers: ClinVar variation 5017025 (VCV005017025.1).

ClinVar aggregate classification (germline): Uncertain significance (1 of 4 stars; one submission).

Submission:

GeneDx
Classification: Uncertain significance. Last evaluated: 2026-03-19. Review status: criteria provided, single submitter. Criteria: GeneDx Variant Classification Process June 2021. Collection method: clinical testing. Allele origin: germline.
Comment: Not observed at significant frequency in large population cohorts (gnomAD); Nonsense variant predicted to result in protein truncation or nonsense mediated decay in a gene or region of a gene for which loss of function is not a well-established mechanism of disease; Has not been previously published as pathogenic or benign to our knowledge